The following is an entry in ClinVar:

NM_001385012.1(NBEA):c.6326A>T (p.Lys2109Met)

Gene: NBEA (neurobeachin; plus strand). Cytogenetic location: 13q13.3.
Variant type: single nucleotide variant.
Coding change: c.6326A>T on transcript NM_001385012.1 (MANE Select); coding-DNA position 6326, A replaced by T.
Protein change: p.Lys2109Met; replaces lysine 2109 with methionine.
Molecular consequence: missense variant.
Genome position (GRCh38, 1-based): chr13:35,452,113, A>T. VCF-style: chr13-35452113-A-T. GRCh37 (hg19) VCF-style: chr13-36026250-A-T.
Other names: c.6317A>T, p.Lys2106Met (NM_001379245.1); c.6326A>T, p.Lys2109Met (NM_015678.5); short protein forms K2106M, K2109M.
Identifiers: ClinVar variation 4529788 (VCV004529788.1).

ClinVar aggregate classification (germline): Uncertain significance (1 of 4 stars; one submission).

Submission:

GeneDx
Classification: Uncertain significance. Last evaluated: 2025-05-14. Review status: criteria provided, single submitter. Criteria: GeneDx Variant Classification Process June 2021. Collection method: clinical testing. Allele origin: germline. Affected: yes.
Comment: Not observed at significant frequency in large population cohorts (gnomAD); In silico analysis supports that this missense variant has a deleterious effect on protein structure/function; Has not been previously published as pathogenic or benign to our knowledge